The following is an entry in ClinVar:

ClinVar aggregate classification (germline): Uncertain significance. Review status: criteria provided, single submitter (1 of 4 stars). 2 submissions from 2 submitters: Uncertain significance (1). 1 of the submissions does not count toward it. Last evaluated 2021-09-22.

Conditions:
Sjögren-Larsson syndrome (SLS). Also called: FALDH DEFICIENCY; FATTY ALCOHOL:NAD+ OXIDOREDUCTASE DEFICIENCY; FATTY ALDEHYDE DEHYDROGENASE DEFICIENCY; ICHTHYOSIS, SPASTIC NEUROLOGIC DISORDER, AND OLIGOPHRENIA. Identifiers: Orphanet 816, MedGen C0037231, MONDO:0010031, OMIM 270200.
Inborn genetic diseases. Identifiers: MedGen C0950123, MeSH D030342.

gnomAD v4.1: 1 of 1,613,574 alleles (0.000062%); no homozygotes.

Submissions (2):

Ambry Genetics
Classification: Uncertain significance for Inborn genetic diseases. Last evaluated: 2021-09-22. Review status: criteria provided, single submitter. Criteria: Ambry Variant Classification Scheme 2023. Collection method: clinical testing. Allele origin: germline.
Comment: The c.1443G>A (p.K481K) alteration is located in exon 9 (coding exon 9) of the ALDH3A2 gene. This alteration consists of a G to A substitution at nucleotide position 1443. This nucleotide substitution does not change the amino acid at codon 481. However, this change occurs in the last nucleotide of Exon 9 (c.1208_1443) which makes it likely to have some effect on normal mRNA splicing. Based on insufficient or conflicting evidence, the clinical significance of this alteration remains unclear.

Natera, Inc.
Classification: Uncertain significance for Sjögren-Larsson syndrome. Last evaluated: 2025-02-26. Review status: no assertion criteria provided. Collection method: clinical testing. Allele origin: germline. Not counted in ClinVar's aggregate classification.

NM_000382.3(ALDH3A2):c.1443G>A (p.Lys481=)

Gene: ALDH3A2 (aldehyde dehydrogenase 3 family member A2; plus strand). Cytogenetic location: 17p11.2.
Variant type: single nucleotide variant.
Coding change: c.1443G>A on transcript NM_000382.3 (MANE Select); coding-DNA position 1443, G replaced by A.
Protein change: p.Lys481=; no amino-acid change (lysine 481 retained).
Molecular consequence: synonymous variant. On other transcripts: intron variant (1).
Genome position (GRCh38, 1-based): chr17:19,671,956, G>A. VCF-style: chr17-19671956-G-A. GRCh37 (hg19) VCF-style: chr17-19575269-G-A.
Other names: c.1443G>A, p.Lys481= (NM_001031806.2, NM_001369136.1, NM_001369137.2 and 2 more transcripts); c.864G>A, p.Lys288= (NM_001369148.2); c.1208-3602G>A (NM_001369146.2).
Identifiers: ClinVar variation 2235566 (VCV002235566.3), dbSNP rs1317584400, ClinGen allele CA498620069.